The following is an entry in ClinVar:

NM_024334.3(TMEM43):c.864C>T (p.His288=)

Gene: TMEM43 (transmembrane protein 43; plus strand). Cytogenetic location: 3p25.1.
Variant type: single nucleotide variant.
Coding change: c.864C>T on transcript NM_024334.3 (MANE Select); coding-DNA position 864, C replaced by T.
Protein change: p.His288=; no amino-acid change (histidine 288 retained).
Molecular consequence: synonymous variant.
Genome position (GRCh38, 1-based): chr3:14,135,890, C>T. VCF-style: chr3-14135890-C-T. GRCh37 (hg19) VCF-style: chr3-14177390-C-T.
Identifiers: ClinVar variation 519458 (VCV000519458.22), dbSNP rs377585035, ClinGen allele CA055853.

ClinVar aggregate classification (germline): Benign/Likely benign. Review status: criteria provided, multiple submitters, no conflicts (2 of 4 stars). 9 submissions from 9 submitters: Benign (1); Likely benign (6). 2 of the submissions do not count toward it. Last evaluated 2026-02-01.

Conditions:
Cardiovascular phenotype. Identifiers: MedGen CN230736.
Cardiomyopathy (CMYO). Also called: Cardiomyopathies. Identifiers: Orphanet 167848, MedGen C0878544, MONDO:0004994, HP:0001638. Inheritance: Various modes of inheritance.
Arrhythmogenic right ventricular dysplasia 5. Also called: Arrhythmogenic Right Ventricular Dysplasia/Cardiomyopathy 5; ARRHYTHMOGENIC RIGHT VENTRICULAR DYSPLASIA, FAMILIAL, 5. Identifiers: MedGen C1858379, MONDO:0011459, OMIM 604400.

Allele frequency attached by ClinVar (database versions not stated): ExAC 0.00006; ESP Exome Variant Server 0.00008; TOPMed 0.00010; gnomAD 0.00012 and 0.00014; gnomAD exomes 0.00004 and 0.00005.
gnomAD v4.1: 83 of 1,614,048 alleles (0.0051%); highest among the groups gnomAD compares: African/African-American, 0.04%; no homozygotes.

Submissions (9):

Labcorp Genetics (formerly Invitae), Labcorp
Classification: Likely benign for Arrhythmogenic right ventricular dysplasia 5. Last evaluated: 2026-02-01. Review status: criteria provided, single submitter. Criteria: Invitae Variant Classification Sherloc (09022015). Collection method: clinical testing. Allele origin: germline.

Blueprint Genetics
Classification: Likely benign. Last evaluated: 2024-07-18. Review status: criteria provided, single submitter. Criteria: ACMG Guidelines, 2015. Collection method: clinical testing. Allele origin: germline.

All of Us Research Program, National Institutes of Health
Classification: Likely benign for Arrhythmogenic right ventricular dysplasia 5. Last evaluated: 2023-12-18. Review status: criteria provided, single submitter. Criteria: ACMG Guidelines, 2015. Collection method: clinical testing. Allele origin: germline. Inheritance: Autosomal dominant inheritance. Observed: 16 variant alleles, 16 heterozygotes.
Comment: This study involves interpretation of variants in research participants for the purpose of population health screening. Participant phenotype was not available at the time of variant classification. Additional details can be found in publication PMID: 35346344, PMCID: PMC8962531

GeneDx
Classification: Likely benign. Last evaluated: 2021-06-22. Review status: criteria provided, single submitter. Criteria: GeneDx Variant Classification Process June 2021. Collection method: clinical testing. Allele origin: germline. Affected: yes.
Comment: See Variant Classification Assertion Criteria.

Women's Health and Genetics/Laboratory Corporation of America, LabCorp
Classification: Benign. Last evaluated: 2019-11-23. Review status: criteria provided, single submitter. Criteria: LabCorp Variant Classification Summary - May 2015. Collection method: clinical testing. Allele origin: germline.

Color Diagnostics, LLC DBA Color Health
Classification: Likely benign for Cardiomyopathy. Last evaluated: 2018-11-22. Review status: criteria provided, single submitter. Criteria: ACMG Guidelines, 2015. Collection method: clinical testing. Allele origin: germline.

Ambry Genetics
Classification: Likely benign for Cardiovascular phenotype. Last evaluated: 2017-06-02. Review status: criteria provided, single submitter. Criteria: Ambry Variant Classification Scheme 2023. Collection method: clinical testing. Allele origin: germline.

Clinical Genetics, Academic Medical Center
Classification: Benign. Review status: no assertion criteria provided. Collection method: clinical testing. Allele origin: germline. Affected: yes. Study: VKGL Data-share Consensus. Not counted in ClinVar's aggregate classification.

Genome Diagnostics Laboratory, University Medical Center Utrecht
Classification: Likely benign. Review status: no assertion criteria provided. Collection method: clinical testing. Allele origin: germline. Affected: yes. Study: VKGL Data-share Consensus. Not counted in ClinVar's aggregate classification.